The following is an entry in ClinVar:

NM_003110.6(SP2):c.1482C>A (p.Thr494=)

Genes: SP2 (Sp2 transcription factor; plus strand), SP2-AS1 (SP2 antisense RNA 1; minus strand). Cytogenetic location: 17q21.32.
Variant type: single nucleotide variant.
Coding change: c.1482C>A on transcript NM_003110.6 (MANE Select); coding-DNA position 1482, C replaced by A.
Protein change: p.Thr494=; no amino-acid change (threonine 494 retained).
Molecular consequence: synonymous variant.
Genome position (GRCh38, 1-based): chr17:47,925,028, C>A. VCF-style: chr17-47925028-C-A. GRCh37 (hg19) VCF-style: chr17-46002394-C-A.
Identifiers: ClinVar variation 3024782 (VCV003024782.22), dbSNP rs3190376, ClinGen allele CA8628984.

ClinVar aggregate classification (germline): Likely benign (1 of 4 stars; one submission).

Allele frequency attached by ClinVar (database versions not stated): 1000 Genomes Project 0.00200; 1000 Genomes Project 30x 0.00265; TOPMed 0.00575; ExAC 0.00610; ESP Exome Variant Server 0.00700; gnomAD exomes 0.00890.
gnomAD v4.1: 13,713 of 1,614,172 alleles (0.85%); highest among the groups gnomAD compares: Non-Finnish European, 1%; 82 homozygotes.

Submission:

CeGaT Center for Human Genetics Tuebingen
Classification: Likely benign. Last evaluated: 2024-02-01. Review status: criteria provided, single submitter. Criteria: CeGaT Center For Human Genetics Tuebingen Variant Classification Criteria Version 2. Collection method: clinical testing. Allele origin: germline. Affected: yes. Observed: 1 variant allele.
Comment: SP2: BP4, BP7, BS2